The following is an entry in ClinVar:

NM_178822.5(IGSF10):c.2362A>G (p.Asn788Asp)

Gene: IGSF10 (immunoglobulin superfamily member 10; minus strand). Cytogenetic location: 3q25.1.
Variant type: single nucleotide variant.
Coding change: c.2362A>G on transcript NM_178822.5 (MANE Select); coding-DNA position 2362, A replaced by G.
Protein change: p.Asn788Asp; replaces asparagine 788 with aspartic acid.
Molecular consequence: missense variant.
Genome position (GRCh38, 1-based): chr3:151,447,619, T>C on the plus strand (A>G on the coding strand, the complement: IGSF10 is on the minus strand). VCF-style: chr3-151447619-T-C. GRCh37 (hg19) VCF-style: chr3-151165407-T-C.
Other names: c.2362A>G, p.Asn788Asp (NM_001385060.1, NM_001385061.1, NM_001385062.1 and 1 more transcripts); short protein forms N788D.
Identifiers: ClinVar variation 4799211 (VCV004799211.1).

ClinVar aggregate classification (germline): Uncertain significance (1 of 4 stars; one submission).

Submission:

Labcorp Genetics (formerly Invitae), Labcorp
Classification: Uncertain significance. Last evaluated: 2025-10-13. Review status: criteria provided, single submitter. Criteria: Invitae Variant Classification Sherloc (09022015). Collection method: clinical testing. Allele origin: germline.
Comment: This sequence change replaces asparagine, which is neutral and polar, with aspartic acid, which is acidic and polar, at codon 788 of the IGSF10 protein (p.Asn788Asp). This variant is not present in population databases (gnomAD no frequency). This variant has not been reported in the literature in individuals affected with IGSF10-related conditions. An algorithm developed to predict the effect of missense changes on protein structure and function outputs the following: PolyPhen-2: "Benign". The aspartic acid amino acid residue is found in multiple mammalian species, which suggests that this missense change does not adversely affect protein function. In summary, the available evidence is currently insufficient to determine the role of this variant in disease. Therefore, it has been classified as a Variant of Uncertain Significance.